The following is an entry in ClinVar:

ClinVar aggregate classification (germline): Uncertain significance (1 of 4 stars; one submission).

Conditions:
Hereditary cancer-predisposing syndrome. Also called: Neoplastic Syndromes, Hereditary; Tumor predisposition; Hereditary Cancer Syndrome; Hereditary neoplastic syndrome. Identifiers: Orphanet 140162, MedGen C0027672, MeSH D009386, MONDO:0015356.

Submission:

Ambry Genetics
Classification: Uncertain significance for Hereditary cancer-predisposing syndrome. Last evaluated: 2026-03-23. Review status: criteria provided, single submitter. Criteria: Ambry Variant Classification Scheme 2023. Collection method: clinical testing. Allele origin: germline.
Comment: The p.D2492G variant (also known as c.7475A>G), located in coding exon 14 of the BRCA2 gene, results from an A to G substitution at nucleotide position 7475. The aspartic acid at codon 2492 is replaced by glycine, an amino acid with similar properties. The results from two saturation genome editing-based studies, including a haploid cell-survival assay and a humanized mouse embryonic stem cell line assay of drug response and survival, are discordant for this nucleotide substitution (Huang H et al. Nature. 2025 Feb;638(8050):528-537; Sahu S et al. Nature. 2025 Feb;638(8050):538-545). This amino acid position is not well conserved in available vertebrate species. In addition, the in silico prediction for this alteration is inconclusive. Based on the available evidence, the clinical significance of this variant remains unclear.

NM_000059.4(BRCA2):c.7475A>G (p.Asp2492Gly)

Gene: BRCA2 (BRCA2 DNA repair associated; plus strand). Cytogenetic location: 13q13.1.
Variant type: single nucleotide variant.
Coding change: c.7475A>G on transcript NM_000059.4 (MANE Select); coding-DNA position 7475, A replaced by G.
Protein change: p.Asp2492Gly; replaces aspartic acid 2492 with glycine.
Molecular consequence: missense variant. On other transcripts: non-coding transcript variant (1).
Genome position (GRCh38, 1-based): chr13:32,356,467, A>G. VCF-style: chr13-32356467-A-G. GRCh37 (hg19) VCF-style: chr13-32930604-A-G.
Other names: c.7379A>G, p.Asp2460Gly (NM_001406719.1); c.7475A>G, p.Asp2492Gly (NM_001406720.1, NM_001432077.1); c.2543A>G, p.Asp848Gly (NM_001406721.1); c.1058A>G, p.Asp353Gly (NM_001406722.1); short protein forms D2460G, D2492G, D353G, D848G.
Identifiers: ClinVar variation 4867755 (VCV004867755.1).